The following is an entry in ClinVar:

NM_021830.5(TWNK):c.956A>G (p.Lys319Arg)

Gene: TWNK (twinkle mtDNA helicase; plus strand). Cytogenetic location: 10q24.31.
Variant type: single nucleotide variant.
Coding change: c.956A>G on transcript NM_021830.5 (MANE Select); coding-DNA position 956, A replaced by G.
Protein change: p.Lys319Arg; replaces lysine 319 with arginine.
Molecular consequence: missense variant. On other transcripts: non-coding transcript variant (4), intron variant (3).
Genome position (GRCh38, 1-based): chr10:100,989,166, A>G. VCF-style: chr10-100989166-A-G. GRCh37 (hg19) VCF-style: chr10-102748923-A-G.
Other names: c.956A>G, p.Lys319Arg (NM_001163812.2); c.-119-478A>G (NM_001163814.2, NM_001163813.2); c.-57-540A>G (NM_001368275.1); short protein forms K319R.
Identifiers: ClinVar variation 3393563 (VCV003393563.2).

ClinVar aggregate classification (germline): Uncertain significance (1 of 4 stars; one submission).

Submission:

GeneDx
Classification: Uncertain significance. Last evaluated: 2025-10-02. Review status: criteria provided, single submitter. Criteria: GeneDx Variant Classification Process June 2021. Collection method: clinical testing. Allele origin: germline. Affected: yes.
Comment: Not observed at significant frequency in large population cohorts (gnomAD); In silico analysis suggests that this missense variant does not alter protein structure/function; This variant is associated with the following publications: (PMID: 35641312, 40936058)